The following is an entry in ClinVar:

ClinVar aggregate classification (germline): Uncertain significance. Review status: criteria provided, multiple submitters, no conflicts (2 of 4 stars). 2 submissions from 2 submitters: Uncertain significance (2). Last evaluated 2025-07-16.

Conditions:
Tumor predisposition syndrome 3 (TPDS3). Also called: Melanoma, cutaneous malignant, susceptibility to, 10; Glioma susceptibility 9; LONG TELOMERE SYNDROME, POT1-RELATED; POT1 Tumor Predisposition. Identifiers: Orphanet 618, MedGen C4014476, MONDO:0014368, OMIM 615848.
Hereditary cancer-predisposing syndrome. Also called: Neoplastic Syndromes, Hereditary; Hereditary neoplastic syndrome; Tumor predisposition; Hereditary Cancer Syndrome. Identifiers: Orphanet 140162, MedGen C0027672, MeSH D009386, MONDO:0015356.

Submissions (2):

Labcorp Genetics (formerly Invitae), Labcorp
Classification: Uncertain significance for Tumor predisposition syndrome 3. Last evaluated: 2025-07-16. Review status: criteria provided, single submitter. Criteria: Invitae Variant Classification Sherloc (09022015). Collection method: clinical testing. Allele origin: germline.
Comment: This sequence change replaces proline, which is neutral and non-polar, with threonine, which is neutral and polar, at codon 5 of the POT1 protein (p.Pro5Thr). This variant is not present in population databases (gnomAD no frequency). This variant has not been reported in the literature in individuals affected with POT1-related conditions. ClinVar contains an entry for this variant (Variation ID: 860899). Invitae Evidence Modeling of protein sequence and biophysical properties (such as structural, functional, and spatial information, amino acid conservation, physicochemical variation, residue mobility, and thermodynamic stability) indicates that this missense variant is not expected to disrupt POT1 protein function with a negative predictive value of 80%. In summary, the available evidence is currently insufficient to determine the role of this variant in disease. Therefore, it has been classified as a Variant of Uncertain Significance.

Ambry Genetics
Classification: Uncertain significance for Hereditary cancer-predisposing syndrome. Last evaluated: 2024-08-21. Review status: criteria provided, single submitter. Criteria: Ambry Variant Classification Scheme 2023. Collection method: clinical testing. Allele origin: germline.
Comment: The p.P5T variant (also known as c.13C>A), located in coding exon 2 of the POT1 gene, results from a C to A substitution at nucleotide position 13. The proline at codon 5 is replaced by threonine, an amino acid with highly similar properties. This amino acid position is conserved. In addition, this alteration is predicted to be tolerated by in silico analysis. Since supporting evidence is limited at this time, the clinical significance of this alteration remains unclear.

NM_015450.3(POT1):c.13C>A (p.Pro5Thr)

Gene: POT1 (protection of telomeres 1; minus strand). Cytogenetic location: 7q31.33.
Variant type: single nucleotide variant.
Coding change: c.13C>A on transcript NM_015450.3 (MANE Select); coding-DNA position 13, C replaced by A.
Protein change: p.Pro5Thr; replaces proline 5 with threonine.
Molecular consequence: missense variant. On other transcripts: 5 prime UTR variant (1), non-coding transcript variant (3).
Genome position (GRCh38, 1-based): chr7:124,892,377, G>T on the plus strand (C>A on the coding strand, the complement: POT1 is on the minus strand). VCF-style: chr7-124892377-G-T. GRCh37 (hg19) VCF-style: chr7-124532431-G-T.
Other names: c.-250C>A (NM_001042594.2); short protein forms P5T.
Identifiers: ClinVar variation 860899 (VCV000860899.13), dbSNP rs1378378085, ClinGen allele CA369066329.